The following is an entry in ClinVar:

NM_031471.6(FERMT3):c.663C>T (p.Asp221=)

Gene: FERMT3 (FERM domain containing kindlin 3; plus strand). Cytogenetic location: 11q13.1.
Variant type: single nucleotide variant.
Coding change: c.663C>T on transcript NM_031471.6 (MANE Select); coding-DNA position 663, C replaced by T.
Protein change: p.Asp221=; no amino-acid change (aspartic acid 221 retained).
Molecular consequence: synonymous variant.
Genome position (GRCh38, 1-based): chr11:64,211,423, C>T. VCF-style: chr11-64211423-C-T. GRCh37 (hg19) VCF-style: chr11-63978895-C-T.
Other names: c.663C>T, p.Asp221= (NM_001382361.1, NM_001382362.1, NM_001382448.1 and 1 more transcripts); c.123C>T, p.Asp41= (NM_001382363.1, NM_001382364.1).
Identifiers: ClinVar variation 3390183 (VCV003390183.14).
Genomic context (GRCh38, chr11:64,211,423, plus strand): 5'-CCAGCCGCCACCCGACCCCCTCCTGCTCCAGCGTCTGCCACGGCCCAGCTCCCTGTCAGA[C>T]AAGACCCAGCTCCACAGCAGGTGCACCCAGGAGCCACGCCCCCTGTGTCAGGGCTCCCCC-3'
Protein context (NP_113659.3, residues 211-231): QRLPRPSSLS[Asp221=]KTQLHSRWLD

ClinVar aggregate classification (germline): Likely benign (1 of 4 stars; one submission).

Submission:

CeGaT Center for Human Genetics Tuebingen
Classification: Likely benign. Last evaluated: 2024-11-01. Review status: criteria provided, single submitter. Criteria: CeGaT Center For Human Genetics Tuebingen Variant Classification Criteria Version 2. Collection method: clinical testing. Allele origin: germline. Affected: yes. Observed: 1 variant allele.
Comment: FERMT3: PM2:Supporting, BP4, BP7